The following is an entry in ClinVar:

ClinVar aggregate classification (germline): Uncertain significance (1 of 4 stars; one submission).

Conditions:
Cerebral arteriopathy, autosomal dominant, with subcortical infarcts and leukoencephalopathy, type 1 (CADASIL1). Also called: CASIL; CADASIL 1; Cerebral arteriopathy with subcortical infarcts and leukoencephalopathy 1; DEMENTIA, HEREDITARY MULTIINFARCT TYPE. Identifiers: Orphanet 136, MedGen C4551768, MONDO:0000914, OMIM 125310.

Submission:

Labcorp Genetics (formerly Invitae), Labcorp
Classification: Uncertain significance. Last evaluated: 2025-05-09. Review status: criteria provided, single submitter. Criteria: Invitae Variant Classification Sherloc (09022015). Collection method: clinical testing. Allele origin: germline.
Comment: This sequence change replaces alanine, which is neutral and non-polar, with valine, which is neutral and non-polar, at codon 129 of the NOTCH3 protein (p.Ala129Val). This variant is not present in population databases (gnomAD no frequency). This variant has not been reported in the literature in individuals affected with NOTCH3-related conditions. ClinVar contains an entry for this variant (Variation ID: 810775). Invitae Evidence Modeling of protein sequence and biophysical properties (such as structural, functional, and spatial information, amino acid conservation, physicochemical variation, residue mobility, and thermodynamic stability) indicates that this missense variant is not expected to disrupt NOTCH3 protein function with a negative predictive value of 95%. In summary, the available evidence is currently insufficient to determine the role of this variant in disease. Therefore, it has been classified as a Variant of Uncertain Significance.

NM_000435.3(NOTCH3):c.386C>T (p.Ala129Val)

Gene: NOTCH3 (notch receptor 3; minus strand). Cytogenetic location: 19p13.12.
Variant type: single nucleotide variant.
Coding change: c.386C>T on transcript NM_000435.3 (MANE Select); coding-DNA position 386, C replaced by T.
Protein change: p.Ala129Val; replaces alanine 129 with valine.
Molecular consequence: missense variant.
Genome position (GRCh38, 1-based): chr19:15,192,253, G>A on the plus strand (C>T on the coding strand, the complement: NOTCH3 is on the minus strand). VCF-style: chr19-15192253-G-A. GRCh37 (hg19) VCF-style: chr19-15303064-G-A.
Other names: short protein forms A129V.
Identifiers: ClinVar variation 810775 (VCV000810775.3), dbSNP rs1599395178, ClinGen allele CA404534311.
Genomic context (GRCh38, chr19:15,192,253, plus strand): 5'-CCAGGTGGGCAGGAGCAGAGGAAGCGTCCATCGGGCCCCACTGAGCAGCGGGCACCGTGG[G>A]CACAAGGGCTGCTGAGGCAGGGATCTGGCAGGGAGCAGTCAGGGCCTGGAGGGACCAGGA-3'
Protein context (NP_000426.2, residues 119-139): LPDPCLSSPC[Ala129Val]HGARCSVGPD